The following is an entry in ClinVar:

ClinVar aggregate classification (germline): Uncertain significance (1 of 4 stars; one submission).

Allele frequency attached by ClinVar (database versions not stated): gnomAD exomes below 0.00001.
gnomAD v4.1: 2 of 1,575,180 alleles (0.00013%); highest among the groups gnomAD compares: Non-Finnish European, 0.00017%; no homozygotes.

Submission:

Mayo Clinic Laboratories, Mayo Clinic
Classification: Uncertain significance. Last evaluated: 2023-03-16. Review status: criteria provided, single submitter. Criteria: ACMG Guidelines, 2015. Collection method: clinical testing. Allele origin: germline. Observed: 1 variant allele.
Comment: BP4, PM2_supporting

NM_015512.5(DNAH1):c.397A>G (p.Thr133Ala)

Gene: DNAH1 (dynein axonemal heavy chain 1; plus strand). Cytogenetic location: 3p21.1.
Variant type: single nucleotide variant.
Coding change: c.397A>G on transcript NM_015512.5 (MANE Select); coding-DNA position 397, A replaced by G.
Protein change: p.Thr133Ala; replaces threonine 133 with alanine.
Molecular consequence: missense variant.
Genome position (GRCh38, 1-based): chr3:52,323,871, A>G. VCF-style: chr3-52323871-A-G. GRCh37 (hg19) VCF-style: chr3-52357887-A-G.
Other names: p.Thr133Ala; short protein forms T133A.
Identifiers: ClinVar variation 2682834 (VCV002682834.1), dbSNP rs2471126720, ClinGen allele CA353085983.